The following is an entry in ClinVar:

NM_006060.6(IKZF1):c.589+18A>T

Gene: IKZF1 (IKAROS family zinc finger 1; plus strand). Cytogenetic location: 7p12.2.
Variant type: single nucleotide variant.
Coding change: c.589+18A>T on transcript NM_006060.6 (MANE Select); 18 bases into the intron after coding-DNA position 589, A replaced by T.
Molecular consequence: intron variant.
Genome position (GRCh38, 1-based): chr7:50,382,725, A>T. VCF-style: chr7-50382725-A-T. GRCh37 (hg19) VCF-style: chr7-50450423-A-T.
Other names: c.649+18A>T (NM_001410879.1); c.328+18A>T (NM_001291839.2, NM_001291838.2, NM_001220767.2 and 1 more transcripts); c.589+18A>T (NM_001220765.3, NM_001291837.2, NM_001220768.2); c.421+5932A>T (NM_001220771.2); c.161-4620A>T (NM_001291841.1, NM_001291842.1); c.161-9004A>T (NM_001291843.1, NM_001291844.1); c.161-17193A>T (NM_001291840.1).
Identifiers: ClinVar variation 2735321 (VCV002735321.3), dbSNP rs2538293023, ClinGen allele CA2697557262.
Genomic context (GRCh38, chr7:50,382,725, plus strand): 5'-CGCCGGAGGGACGCCCTCACTGGCCACCTGAGGACGCACTCCGGTAGGTCCCCTGGATGC[A>T]GTCCGGGGCTGTCTGGGTGTCCCGGGATTCCTCCACTCTGCCCGCCTGGGTCCCGGATTG-3'

ClinVar aggregate classification (germline): Uncertain significance (1 of 4 stars; one submission).

Submission:

Labcorp Genetics (formerly Invitae), Labcorp
Classification: Uncertain significance. Last evaluated: 2023-07-08. Review status: criteria provided, single submitter. Criteria: Invitae Variant Classification Sherloc (09022015). Collection method: clinical testing. Allele origin: germline.
Comment: In summary, the available evidence is currently insufficient to determine the role of this variant in disease. Therefore, it has been classified as a Variant of Uncertain Significance. This sequence change falls in intron 5 of the IKZF1 gene. It does not directly change the encoded amino acid sequence of the IKZF1 protein. This variant is not present in population databases (gnomAD no frequency). This variant has not been reported in the literature in individuals affected with IKZF1-related conditions. Experimental studies and prediction algorithms are not available or were not evaluated, and the effect of this variant on mRNA splicing is currently unknown.